The following is an entry in ClinVar:

ClinVar aggregate classification (germline): Uncertain significance. Review status: criteria provided, multiple submitters, no conflicts (2 of 4 stars). 6 submissions from 5 submitters: Uncertain significance (5). 1 of the submissions does not count toward it. Last evaluated 2024-06-01.

Conditions:
Usher syndrome type 1 (USH1). Also called: RETINITIS PIGMENTOSA AND CONGENITAL DEAFNESS. Identifiers: Orphanet 231169, Orphanet 886, MedGen C1568247, MONDO:0010168, OMIM 276900.
Usher syndrome type 1D (USH1D). Also called: USHER SYNDROME, TYPE ID. Identifiers: Orphanet 231169, Orphanet 886, MedGen C1832845, MONDO:0010984, OMIM 601067.
Autosomal recessive nonsyndromic hearing loss 12. Also called: DEAFNESS, AUTOSOMAL RECESSIVE 12. Identifiers: Orphanet 90636, MedGen C1832394, MONDO:0011067, OMIM 601386.

Allele frequency attached by ClinVar (database versions not stated): gnomAD 0.00002; gnomAD exomes 0.00005 and 0.00003; TOPMed 0.00003; ExAC 0.00005.
gnomAD v4.1: 41 of 1,613,688 alleles (0.0025%); highest among the groups gnomAD compares: Middle Eastern, 0.033%; no homozygotes.

Submissions (6):

CeGaT Center for Human Genetics Tuebingen
Classification: Uncertain significance. Last evaluated: 2024-06-01. Review status: criteria provided, single submitter. Criteria: CeGaT Center For Human Genetics Tuebingen Variant Classification Criteria Version 2. Collection method: clinical testing. Allele origin: germline. Affected: yes. Observed: 1 variant allele.
Comment: CDH23: PM2, PP3, PS2:Supporting

Blueprint Genetics
Classification: Uncertain significance. Last evaluated: 2024-03-26. Review status: criteria provided, single submitter. Criteria: ACMG Guidelines, 2015. Collection method: clinical testing. Allele origin: germline.

Labcorp Genetics (formerly Invitae), Labcorp
Classification: Uncertain significance. Last evaluated: 2022-04-18. Review status: criteria provided, single submitter. Criteria: Invitae Variant Classification Sherloc (09022015). Collection method: clinical testing. Allele origin: germline.
Comment: This sequence change replaces valine, which is neutral and non-polar, with methionine, which is neutral and non-polar, at codon 680 of the CDH23 protein (p.Val680Met). This variant is present in population databases (rs760334573, gnomAD 0.02%). This variant has not been reported in the literature in individuals affected with CDH23-related conditions. ClinVar contains an entry for this variant (Variation ID: 877540). Algorithms developed to predict the effect of missense changes on protein structure and function are either unavailable or do not agree on the potential impact of this missense change (SIFT: "Deleterious"; PolyPhen-2: "Not Available"; Align-GVGD: "Class C15"). In summary, the available evidence is currently insufficient to determine the role of this variant in disease. Therefore, it has been classified as a Variant of Uncertain Significance.

Illumina Laboratory Services, Illumina
Classification: Uncertain significance for Autosomal recessive nonsyndromic hearing loss 12. Last evaluated: 2018-01-13. Review status: criteria provided, single submitter. Criteria: ICSL Variant Classification Criteria 13 December 2019. Collection method: clinical testing. Allele origin: germline.

Illumina Laboratory Services, Illumina
Classification: Uncertain significance for Usher syndrome type 1D. Last evaluated: 2018-01-13. Review status: criteria provided, single submitter. Criteria: ICSL Variant Classification Criteria 13 December 2019. Collection method: clinical testing. Allele origin: germline.

Natera, Inc.
Classification: Uncertain significance for Usher syndrome type 1. Last evaluated: 2020-05-31. Review status: no assertion criteria provided. Collection method: clinical testing. Allele origin: germline. Not counted in ClinVar's aggregate classification.

NM_022124.6(CDH23):c.2038G>A (p.Val680Met)

Gene: CDH23 (cadherin related 23; plus strand). Cytogenetic location: 10q22.1.
Variant type: single nucleotide variant.
Coding change: c.2038G>A on transcript NM_022124.6 (MANE Select); coding-DNA position 2038, G replaced by A.
Protein change: p.Val680Met; replaces valine 680 with methionine.
Molecular consequence: missense variant.
Genome position (GRCh38, 1-based): chr10:71,687,698, G>A. VCF-style: chr10-71687698-G-A. GRCh37 (hg19) VCF-style: chr10-73447455-G-A.
Other names: c.2038G>A, p.Val680Met (NM_001171930.2, NM_001171931.2); short protein forms V680M.
Identifiers: ClinVar variation 877540 (VCV000877540.27), dbSNP rs760334573, ClinGen allele CA5544055.